The following is an entry in ClinVar:

ClinVar aggregate classification (germline): Benign. Review status: criteria provided, multiple submitters, no conflicts (2 of 4 stars). 4 submissions from 4 submitters: Benign (3). 1 of the submissions does not count toward it. Last evaluated 2021-05-04.

Conditions:
DNAH17-related disorder. Also called: DNAH17-related condition.

Allele frequency attached by ClinVar (database versions not stated): 1000 Genomes Project 0.14856; ExAC 0.15668; gnomAD 0.17300 and 0.17594; TOPMed 0.17808; ESP Exome Variant Server 0.19399.
gnomAD v4.1: 265,023 of 1,613,646 alleles (16%); highest among the groups gnomAD compares: African/African-American, 23%; 23,050 homozygotes.

Submissions (4):

GeneDx
Classification: Benign. Last evaluated: 2021-05-04. Review status: criteria provided, single submitter. Criteria: GeneDx Variant Classification Process June 2021. Collection method: clinical testing. Allele origin: germline. Affected: yes.

Laboratory for Molecular Medicine, Mass General Brigham Personalized Medicine
Classification: Benign. Last evaluated: 2016-03-29. Review status: criteria provided, single submitter. Criteria: LMM Criteria. Collection method: clinical testing. Allele origin: germline.
Comment: Variant identified in a genome or exome case(s) and assessed due to predicted null impact of the variant or pathogenic assertions in the literature or databases. Disclaimer: This variant has not undergone full assessment. The following are preliminary notes: Frequency

Breakthrough Genomics
Classification: Benign. Review status: criteria provided, single submitter. Criteria: ACMG Guidelines, 2015. Collection method: not provided. Allele origin: germline. Inheritance: Autosomal recessive inheritance. Affected: yes.

PreventionGenetics, part of Exact Sciences
Classification: Benign for DNAH17-related condition. Last evaluated: 2019-11-18. Review status: no assertion criteria provided. Collection method: clinical testing. Allele origin: germline. Not counted in ClinVar's aggregate classification.
Comment: This variant is classified as benign based on ACMG/AMP sequence variant interpretation guidelines (Richards et al. 2015 PMID: 25741868, with internal and published modifications).

NM_173628.4(DNAH17):c.13101T>C (p.Pro4367=)

Gene: DNAH17 (dynein axonemal heavy chain 17; minus strand). Cytogenetic location: 17q25.3.
Variant type: single nucleotide variant.
Coding change: c.13101T>C on transcript NM_173628.4 (MANE Select); coding-DNA position 13101, T replaced by C.
Protein change: p.Pro4367=; no amino-acid change (proline 4367 retained).
Molecular consequence: synonymous variant.
Genome position (GRCh38, 1-based): chr17:78,425,386, A>G on the plus strand (T>C on the coding strand, the complement: DNAH17 is on the minus strand). VCF-style: chr17-78425386-A-G. GRCh37 (hg19) VCF-style: chr17-76421467-A-G.
Identifiers: ClinVar variation 402671 (VCV000402671.10), dbSNP rs36119275, ClinGen allele CA8799653.